The following is an entry in ClinVar:

NM_001080467.3(MYO5B):c.1347del (p.Phe450fs)

Gene: MYO5B (myosin VB; minus strand). Cytogenetic location: 18q21.1.
Variant type: Deletion.
Coding change: c.1347del on transcript NM_001080467.3 (MANE Select); coding-DNA position 1347, one base deleted (C; older notation c.1347delC).
Protein change: p.Phe450fs; shifts the reading frame from phenylalanine 450.
Molecular consequence: frameshift variant.
Genome position (GRCh38, 1-based): chr18:49,963,006, G deleted on the plus strand (C on the coding strand, the reverse complement: MYO5B is on the minus strand). VCF-style (leftmost placement, unchanged base first): chr18-49963005-AG-A. GRCh37 (hg19) VCF-style: chr18-47489375-AG-A.
Other names: c.1347delC (NM_001080467.2); c.1347del (NM_001080467.2); short protein forms F450fs.
Identifiers: ClinVar variation 666977 (VCV000666977.14), dbSNP rs1298330895, ClinGen allele CA780105868.
Genomic context (GRCh38, chr18:49,963,005, plus strand): 5'-CTACCGAGTTGAACTGCTGCTGGAGCTTTTCATTTGCATAGTTGATACAGAACTGCTCAA[AG>A]CTGTTTACCTCAAATGTCTCAAACCTACAGAATGGAAAGAGAAGATAAGAGACGTCTCCT-3'

ClinVar aggregate classification (germline): Pathogenic/Likely pathogenic. Review status: criteria provided, multiple submitters, no conflicts (2 of 4 stars). 6 submissions from 6 submitters: Pathogenic (2); Likely pathogenic (3). 1 of the submissions does not count toward it. Last evaluated 2026-07-02.

Conditions:
Congenital microvillous atrophy (DIAR2). Also called: Diarrhea 2 with microvillus atrophy, with or without cholestasis; CONGENITAL FAMILIAL PROTRACTED DIARRHEA WITH ENTEROCYTE BRUSH-BORDER ABNORMALITIES; DAVIDSON DISEASE; Microvillus inclusion disease; MICROVILLUS ATROPHY, CONGENITAL. Identifiers: Orphanet 2290, MedGen C0341306, MONDO:0009635, OMIM 251850.
MYO5B-related disorder. Also called: MYO5B-related condition.

Allele frequency attached by ClinVar (database versions not stated): gnomAD exomes below 0.00001; gnomAD 0.00002; TOPMed 0.00002.

Submissions (6):

PreventionGenetics, part of Exact Sciences
Classification: Pathogenic for MYO5B-related condition. Last evaluated: 2026-07-02. Review status: criteria provided, single submitter. Criteria: ACMG Guidelines, 2015. Collection method: clinical testing. Allele origin: germline.
Comment: The MYO5B c.1347delC variant is predicted to result in a frameshift and premature protein termination (p.Phe450Leufs*30). This variant has been reported in the suspected compound heterozygous state in an individual with microvillus inclusion disease (Perry et al. 2014. PubMed ID: 25111220). This variant has not been reported in a large population database (gnomAD), indicating this variant is rare. Frameshift variants in MYO5B are expected to be pathogenic. This variant is interpreted as pathogenic.

Labcorp Genetics (formerly Invitae), Labcorp
Classification: Pathogenic. Last evaluated: 2025-08-20. Review status: criteria provided, single submitter. Criteria: Invitae Variant Classification Sherloc (09022015). Collection method: clinical testing. Allele origin: germline.
Comment: This sequence change creates a premature translational stop signal (p.Phe450Leufs*30) in the MYO5B gene. It is expected to result in an absent or disrupted protein product. Loss-of-function variants in MYO5B are known to be pathogenic (PMID: 18724368, 20186687). This variant is not present in population databases (gnomAD no frequency). This premature translational stop signal has been observed in individual(s) with microvillous inclusion disease (PMID: 25111220). ClinVar contains an entry for this variant (Variation ID: 666977). For these reasons, this variant has been classified as Pathogenic.

GeneDx
Classification: Likely pathogenic. Last evaluated: 2024-03-14. Review status: criteria provided, single submitter. Criteria: GeneDx Variant Classification Process June 2021. Collection method: clinical testing. Allele origin: germline. Affected: yes.
Comment: Identified heterozygous in two siblings with diarrhea and villous atrophy on biopsy; each sibling also harbored a MYO5B polymorphism, but it is not known whether the variants occurred on the same (in cis) or on different (in trans) chromosomes (PMID: 25111220); Not observed at significant frequency in large population cohorts (gnomAD); Frameshift variant predicted to result in protein truncation or nonsense mediated decay in a gene for which loss of function is a known mechanism of disease; This variant is associated with the following publications: (PMID: 29266534, 32583448, 25111220)

Blueprint Genetics
Classification: Likely pathogenic for MYO5B-related disorders. Last evaluated: 2023-03-06. Review status: criteria provided, single submitter. Criteria: ACMG Guidelines, 2015. Collection method: clinical testing. Allele origin: germline. Affected: yes. Observed: 2 variant alleles.

Laboratory for Molecular Medicine, Mass General Brigham Personalized Medicine
Classification: Likely pathogenic for Congenital microvillous atrophy. Last evaluated: 2018-04-18. Review status: criteria provided, single submitter. Criteria: LMM Criteria. Collection method: clinical testing. Allele origin: germline. Inheritance: Autosomal recessive inheritance. Observed: 1 variant allele.
Comment: The p.Phe450Leufs variant in MYO5B has been reported in 1 individual with Microv illous inclusion disease and segregated in 1 affected sibling (Perry 2014) . It was absent from large population studies. This variant is predicted to cause a f rameshift, which alters the protein?s amino acid sequence beginning at position 450 and leads to a premature termination codon 30 amino acids downstream. This a lteration is then predicted to lead to a truncated or absent protein. In summary , although additional studies are required to fully establish its clinical signi ficance, the p.Phe450Leufs variant is likely pathogenic for Microvillus inclusio n disease in an autosomal recessive manner. ACMG/AMP Criteria applied: PVS1_Stro ng; PM2, PM3_Supporting.

OMIM
Classification: Pathogenic for DIARRHEA 2, WITH MICROVILLUS ATROPHY. Last evaluated: 2022-05-20. Review status: no assertion criteria provided. Collection method: literature only. Allele origin: germline. Not counted in ClinVar's aggregate classification.

Literature cited by the submitters: PubMed 18724368 (cited by Labcorp Genetics (formerly Invitae), Labcorp); PubMed 20186687 (cited by Labcorp Genetics (formerly Invitae), Labcorp); PubMed 25111220 (cited by 3 submitters).